The following is an entry in ClinVar:

ClinVar aggregate classification (germline): Likely pathogenic. Review status: criteria provided, multiple submitters, no conflicts (2 of 4 stars). 2 submissions from 2 submitters: Likely pathogenic (2). Last evaluated 2024-05-29.

Conditions:
Primary ciliary dyskinesia. Also called: Ciliary dyskinesia. Identifiers: Orphanet 244, MedGen C0008780, MONDO:0016575, HP:0012265.

Submissions (2):

Natera, Inc.
Classification: Likely pathogenic for Primary ciliary dyskinesia. Last evaluated: 2024-05-29. Review status: criteria provided, single submitter. Criteria: Natera Variant Classification Schema (03/2026). Collection method: clinical testing. Allele origin: germline.
Comment: The c.1719-2A>G variant in DNAI1 is a canonical splice acceptor site variant predicted to affect pre-mRNA splicing, which may result in an abnormal transcript and altered protein product. This variant is expected to result in nonsense mediated decay, truncation, or a dysfunctional protein product. This variant is rare in the general population with a frequency below the threshold expected for the associated phenotype(s). Given the available evidence, this variant is classified as Likely Pathogenic.

Labcorp Genetics (formerly Invitae), Labcorp
Classification: Likely pathogenic for Primary ciliary dyskinesia. Last evaluated: 2022-11-12. Review status: criteria provided, single submitter. Criteria: Invitae Variant Classification Sherloc (09022015). Collection method: clinical testing. Allele origin: germline.
Comment: This sequence change affects an acceptor splice site in intron 17 of the DNAI1 gene. It is expected to disrupt RNA splicing. Variants that disrupt the donor or acceptor splice site typically lead to a loss of protein function (PMID: 16199547), and loss-of-function variants in DNAI1 are known to be pathogenic (PMID: 16858015, 29363216). This variant is not present in population databases (gnomAD no frequency). This variant has not been reported in the literature in individuals affected with DNAI1-related conditions. Algorithms developed to predict the effect of sequence changes on RNA splicing suggest that this variant may disrupt the consensus splice site. In summary, the currently available evidence indicates that the variant is pathogenic, but additional data are needed to prove that conclusively. Therefore, this variant has been classified as Likely Pathogenic.

Literature cited by the submitters: PubMed 16199547 (cited by Labcorp Genetics (formerly Invitae), Labcorp); PubMed 16858015 (cited by Labcorp Genetics (formerly Invitae), Labcorp); PubMed 29363216 (cited by Labcorp Genetics (formerly Invitae), Labcorp).

NM_012144.4(DNAI1):c.1719-2A>G

Gene: DNAI1 (dynein axonemal intermediate chain 1; plus strand). Cytogenetic location: 9p13.3.
Variant type: single nucleotide variant.
Coding change: c.1719-2A>G on transcript NM_012144.4 (MANE Select); the canonical splice acceptor site of the intron before coding-DNA position 1719, A replaced by G.
Molecular consequence: splice acceptor variant.
Genome position (GRCh38, 1-based): chr9:34,514,638, A>G. VCF-style: chr9-34514638-A-G. GRCh37 (hg19) VCF-style: chr9-34514636-A-G.
Other names: c.1731-2A>G (NM_001281428.2); c.1719-2A>G (NM_012144.3).
Identifiers: ClinVar variation 2813968 (VCV002813968.4), dbSNP rs1372668734, ClinGen allele CA373264098.